The following is an entry in ClinVar:

ClinVar aggregate classification (germline): Uncertain significance (1 of 4 stars; one submission).

Conditions:
Short-rib thoracic dysplasia 11 with or without polydactyly (SRTD11). Also called: SHORT-RIB THORACIC DYSPLASIA 11 WITHOUT POLYDACTYLY. Identifiers: Orphanet 474, Orphanet 93271, MedGen C3810200, MONDO:0014287, OMIM 615633.

Allele frequency attached by ClinVar (database versions not stated): gnomAD exomes below 0.00001.
gnomAD v4.1: 1 of 1,613,276 alleles (0.000062%); highest among the groups gnomAD compares: Admixed American, 0.0017%; no homozygotes.

Submission:

Labcorp Genetics (formerly Invitae), Labcorp
Classification: Uncertain significance for Short-rib thoracic dysplasia 11 with or without polydactyly. Last evaluated: 2025-08-18. Review status: criteria provided, single submitter. Criteria: Invitae Variant Classification Sherloc (09022015). Collection method: clinical testing. Allele origin: germline.
Comment: This sequence change replaces alanine, which is neutral and non-polar, with valine, which is neutral and non-polar, at codon 290 of the WDR34 protein (p.Ala290Val). This variant is present in population databases (no rsID available, gnomAD 0.003%). This variant has not been reported in the literature in individuals affected with WDR34-related conditions. ClinVar contains an entry for this variant (Variation ID: 2087009). An algorithm developed to predict the effect of missense changes on protein structure and function (PolyPhen-2) suggests that this variant is likely to be disruptive. In summary, the available evidence is currently insufficient to determine the role of this variant in disease. Therefore, it has been classified as a Variant of Uncertain Significance.

NM_052844.4(DYNC2I2):c.869C>T (p.Ala290Val)

Genes: DYNC2I2 (dynein 2 intermediate chain 2; minus strand), LOC126860772 (CDK7 strongly-dependent group 2 enhancer GRCh37_chr9:131396972-131398171; plus strand). Cytogenetic location: 9q34.11.
Variant type: single nucleotide variant.
Coding change: c.869C>T on transcript NM_052844.4 (MANE Select); coding-DNA position 869, C replaced by T.
Protein change: p.Ala290Val; replaces alanine 290 with valine.
Molecular consequence: missense variant.
Genome position (GRCh38, 1-based): chr9:128,635,204, G>A on the plus strand (C>T on the coding strand, the complement: DYNC2I2 is on the minus strand). VCF-style: chr9-128635204-G-A. GRCh37 (hg19) VCF-style: chr9-131397483-G-A.
Other names: short protein forms A290V.
Identifiers: ClinVar variation 2087009 (VCV002087009.4), dbSNP rs1247576641, ClinGen allele CA375115931.